The following is an entry in ClinVar:

ClinVar aggregate classification (germline): Uncertain significance. Review status: criteria provided, multiple submitters, no conflicts (2 of 4 stars). 2 submissions from 2 submitters: Uncertain significance (2). Last evaluated 2023-07-05.

Conditions:
Inborn genetic diseases. Identifiers: MedGen C0950123, MeSH D030342.
NRCAM-related disorder.

Allele frequency attached by ClinVar (database versions not stated): gnomAD exomes 0.00002; ExAC 0.00003; TOPMed 0.00004; 1000 Genomes Project 30x 0.00016; 1000 Genomes Project 0.00020.
gnomAD v4.1: 33 of 1,597,696 alleles (0.0021%); highest among the groups gnomAD compares: Admixed American, 0.01%; no homozygotes.

Submissions (2):

Ambry Genetics
Classification: Uncertain significance for Inborn genetic diseases. Last evaluated: 2023-07-05. Review status: criteria provided, single submitter. Criteria: Ambry Variant Classification Scheme 2023. Collection method: clinical testing. Allele origin: germline.

PreventionGenetics, part of Exact Sciences
Classification: Uncertain significance for NRCAM-related condition. Last evaluated: 2022-12-08. Review status: criteria provided, single submitter. Criteria: ACMG Guidelines, 2015. Collection method: clinical testing. Allele origin: germline.
Comment: The NRCAM c.221C>T variant is predicted to result in the amino acid substitution p.Pro74Leu. To our knowledge, this variant has not been reported in the literature. This variant is reported in 0.014% of alleles in individuals of Latino descent in gnomAD. At this time, the clinical significance of this variant is uncertain due to the absence of conclusive functional and genetic evidence.

NM_001037132.4(NRCAM):c.221C>T (p.Pro74Leu)

Gene: NRCAM (neuronal cell adhesion molecule; minus strand). Cytogenetic location: 7q31.1.
Variant type: single nucleotide variant.
Coding change: c.221C>T on transcript NM_001037132.4 (MANE Select); coding-DNA position 221, C replaced by T.
Protein change: p.Pro74Leu; replaces proline 74 with leucine.
Molecular consequence: missense variant. On other transcripts: 5 prime UTR variant (10), non-coding transcript variant (5).
Genome position (GRCh38, 1-based): chr7:108,234,592, G>A on the plus strand (C>T on the coding strand, the complement: NRCAM is on the minus strand). VCF-style: chr7-108234592-G-A. GRCh37 (hg19) VCF-style: chr7-107875036-G-A.
Other names: c.221C>T, p.Pro74Leu (NM_001193582.2, NM_001193583.2, NM_001193584.2 and 39 more transcripts); c.-68C>T (NM_001371125.1, NM_001371142.1, NM_001371143.1 and 6 more transcripts); c.203C>T, p.Pro68Leu (NM_001371130.1, NM_001371133.1, NM_001371134.1 and 11 more transcripts); c.-538C>T (NM_001371137.1); short protein forms P68L, P74L.
Identifiers: ClinVar variation 2609457 (VCV002609457.3), dbSNP rs190863461, ClinGen allele CA4439227.
Genomic context (GRCh38, chr7:108,234,592, plus strand): 5'-AGATTTCCTGATTTATTCTCAGTACTATAACAAAGCAGAATGCACACTCACCTTGGGGGC[G>A]GTTTCCCTTTGGCTTCACACTGGATTACAATATTCTCCCGAGGGTCAATAATGTAATCTT-3'
Protein context (NP_001032209.1, residues 64-84): IVIQCEAKGK[Pro74Leu]PPSFSWTRNG